The following is an entry in ClinVar:

ClinVar aggregate classification (germline): Uncertain significance (1 of 4 stars; one submission).

gnomAD v4.1: 182 of 152,270 alleles (0.12%); highest among the groups gnomAD compares: Non-Finnish European, 0.17%; no homozygotes.

Submission:

CeGaT Center for Human Genetics Tuebingen
Classification: Uncertain significance. Last evaluated: 2025-06-01. Review status: criteria provided, single submitter. Criteria: CeGaT Center For Human Genetics Tuebingen Variant Classification Criteria Version 2. Collection method: clinical testing. Allele origin: germline. Affected: yes. Observed: 1 variant allele.
Comment: KIF1A: PM2

NM_001244008.2(KIF1A):c.3466-268G>A

Gene: KIF1A (kinesin family member 1A; minus strand). Cytogenetic location: 2q37.3.
Variant type: single nucleotide variant.
Coding change: c.3466-268G>A on transcript NM_001244008.2 (MANE Select); 268 bases into the intron before coding-DNA position 3466, G replaced by A.
Molecular consequence: intron variant.
Genome position (GRCh38, 1-based): chr2:240,744,328, C>T on the plus strand (G>A on the coding strand, the complement: KIF1A is on the minus strand). VCF-style: chr2-240744328-C-T. GRCh37 (hg19) VCF-style: chr2-241683745-C-T.
Other names: c.3163-268G>A (NM_001379653.1, NM_001379650.1, NM_001379641.1 and 5 more transcripts); c.3439-268G>A (NM_001379645.1, NM_001379633.1, NM_001379642.1); c.3265-268G>A (NM_001379635.1, NM_001330290.2, NM_001379646.1 and 1 more transcripts); c.3160-268G>A (NM_001379640.1); c.3415-268G>A (NM_001379632.1); c.3238-268G>A (NM_001379637.1, NM_001379648.1); c.3190-268G>A (NM_001320705.2, NM_001379638.1, NM_001330289.2); c.3541-268G>A (NM_001379631.1).
Identifiers: ClinVar variation 3905547 (VCV003905547.10).